The following is an entry in ClinVar:

NM_001005373.4(LRSAM1):c.709G>A (p.Gly237Arg)

Gene: LRSAM1 (leucine rich repeat and sterile alpha motif containing 1; plus strand). Cytogenetic location: 9q33.3.
Variant type: single nucleotide variant.
Coding change: c.709G>A on transcript NM_001005373.4 (MANE Select); coding-DNA position 709, G replaced by A.
Protein change: p.Gly237Arg; replaces glycine 237 with arginine.
Molecular consequence: missense variant. On other transcripts: 5 prime UTR variant (1), non-coding transcript variant (2).
Genome position (GRCh38, 1-based): chr9:127,473,890, G>A. VCF-style: chr9-127473890-G-A. GRCh37 (hg19) VCF-style: chr9-130236169-G-A.
Other names: c.709G>A, p.Gly237Arg (NM_001005374.4, NM_001190723.3, NM_001384142.1 and 2 more transcripts); c.-76G>A (NM_001384144.1); short protein forms G237R.
Identifiers: ClinVar variation 3376021 (VCV003376021.3).

ClinVar aggregate classification (germline): Uncertain significance. Review status: criteria provided, multiple submitters, no conflicts (2 of 4 stars). 2 submissions from 2 submitters: Uncertain significance (2). Last evaluated 2024-05-06.

Conditions:
Charcot-Marie-Tooth disease axonal type 2P. Also called: CHARCOT-MARIE-TOOTH NEUROPATHY, TYPE 2P; Charcot-Marie-Tooth Neuropathy Type 2G; CHARCOT-MARIE-TOOTH DISEASE, AXONAL, TYPE 2G; CMT 2G. Identifiers: Orphanet 300319, Orphanet 99941, MedGen C3280797, MONDO:0013753, OMIM 614436.

Submissions (2):

GeneDx
Classification: Uncertain significance. Last evaluated: 2024-05-06. Review status: criteria provided, single submitter. Criteria: GeneDx Variant Classification Process June 2021. Collection method: clinical testing. Allele origin: germline. Affected: yes.
Comment: Not observed at significant frequency in large population cohorts (gnomAD); In silico analysis indicates that this missense variant does not alter protein structure/function; Has not been previously published as pathogenic or benign to our knowledge

Labcorp Genetics (formerly Invitae), Labcorp
Classification: Uncertain significance for Charcot-Marie-Tooth disease axonal type 2P. Last evaluated: 2024-03-09. Review status: criteria provided, single submitter. Criteria: Invitae Variant Classification Sherloc (09022015). Collection method: clinical testing. Allele origin: germline.
Comment: This sequence change replaces glycine, which is neutral and non-polar, with arginine, which is basic and polar, at codon 237 of the LRSAM1 protein (p.Gly237Arg). This variant is not present in population databases (gnomAD no frequency). This variant has not been reported in the literature in individuals affected with LRSAM1-related conditions. Advanced modeling of protein sequence and biophysical properties (such as structural, functional, and spatial information, amino acid conservation, physicochemical variation, residue mobility, and thermodynamic stability) performed at Invitae indicates that this missense variant is not expected to disrupt LRSAM1 protein function with a negative predictive value of 80%. In summary, the available evidence is currently insufficient to determine the role of this variant in disease. Therefore, it has been classified as a Variant of Uncertain Significance.